The following is an entry in ClinVar:

ClinVar aggregate classification (germline): Uncertain significance (1 of 4 stars; one submission).

gnomAD v4.1: 1 of 1,614,124 alleles (0.000062%); highest among the groups gnomAD compares: Admixed American, 0.0017%; no homozygotes.

Submission:

Women's Health and Genetics/Laboratory Corporation of America, LabCorp
Classification: Uncertain significance. Last evaluated: 2026-05-07. Review status: criteria provided, single submitter. Criteria: LabCorp Variant Classification Summary - May 2015. Collection method: clinical testing. Allele origin: germline.
Comment: Variant summary: SCN2A c.57G>T (p.Arg19Ser) results in a non-conservative amino acid change in the encoded protein sequence. Algorithms developed to predict the effect of missense changes on protein structure and function all suggest that this variant is likely to be disruptive. The variant was absent in 250918 control chromosomes. The available data on variant occurrences in the general population are insufficient to allow any conclusion about variant significance. To our knowledge, no occurrence of c.57G>T in individuals affected with SCN2A-related conditions and no experimental evidence demonstrating its impact on protein function have been reported. No submitters have cited clinical-significance assessments for this variant to ClinVar. Based on the evidence outlined above, the variant was classified as uncertain significance.

NM_001040142.2(SCN2A):c.57G>T (p.Arg19Ser)

Gene: SCN2A (sodium voltage-gated channel alpha subunit 2; plus strand). Cytogenetic location: 2q24.3.
Variant type: single nucleotide variant.
Coding change: c.57G>T on transcript NM_001040142.2 (MANE Select); coding-DNA position 57, G replaced by T.
Protein change: p.Arg19Ser; replaces arginine 19 with serine.
Molecular consequence: missense variant.
Genome position (GRCh38, 1-based): chr2:165,295,880, G>T. VCF-style: chr2-165295880-G-T. GRCh37 (hg19) VCF-style: chr2-166152390-G-T.
Other names: c.57G>T, p.Arg19Ser (NM_001040143.2, NM_001371246.1, NM_001371247.1 and 1 more transcripts); short protein forms R19S.
Identifiers: ClinVar variation 4853497 (VCV004853497.1).